The following is an entry in ClinVar:

NM_004380.3(CREBBP):c.3841G>A (p.Val1281Ile)

Gene: CREBBP (CREB binding lysine acetyltransferase; minus strand). Cytogenetic location: 16p13.3.
Variant type: single nucleotide variant.
Coding change: c.3841G>A on transcript NM_004380.3 (MANE Select); coding-DNA position 3841, G replaced by A.
Protein change: p.Val1281Ile; replaces valine 1281 with isoleucine.
Molecular consequence: missense variant.
Genome position (GRCh38, 1-based): chr16:3,745,350, C>T on the plus strand (G>A on the coding strand, the complement: CREBBP is on the minus strand). VCF-style: chr16-3745350-C-T. GRCh37 (hg19) VCF-style: chr16-3795351-C-T.
Other names: c.3727G>A, p.Val1243Ile (NM_001079846.1); short protein forms V1243I, V1281I.
Identifiers: ClinVar variation 734256 (VCV000734256.15), dbSNP rs201874248, ClinGen allele CA7869702.

ClinVar aggregate classification (germline): Conflicting classifications of pathogenicity. Review status: criteria provided, conflicting classifications (1 of 4 stars). 5 submissions from 5 submitters: Uncertain significance (1); Benign (1); Likely benign (2). 1 of the submissions does not count toward it. Last evaluated 2025-05-08.

Conditions:
CREBBP-related disorder. Also called: CREBBP-related condition; CREBBP-related disorders.
Rubinstein-Taybi syndrome (RSTS). Identifiers: Orphanet 783, MedGen C0035934, MONDO:0019188.
Inborn genetic diseases. Identifiers: MedGen C0950123, MeSH D030342.

Allele frequency attached by ClinVar (database versions not stated): ESP Exome Variant Server 0.00008; gnomAD exomes 0.00012; ExAC 0.00013; gnomAD 0.00013 and 0.00014; TOPMed 0.00013.
gnomAD v4.1: 256 of 1,613,858 alleles (0.016%); highest among the groups gnomAD compares: Non-Finnish European, 0.021%; no homozygotes.

Submissions (5):

Labcorp Genetics (formerly Invitae), Labcorp
Classification: Likely benign for Rubinstein-Taybi syndrome. Last evaluated: 2025-05-08. Review status: criteria provided, single submitter. Criteria: Invitae Variant Classification Sherloc (09022015). Collection method: clinical testing. Allele origin: germline.

GeneDx
Classification: Likely benign. Last evaluated: 2021-06-07. Review status: criteria provided, single submitter. Criteria: GeneDx Variant Classification Process June 2021. Collection method: clinical testing. Allele origin: germline. Affected: yes.

Revvity Omics, Revvity
Classification: Uncertain significance. Last evaluated: 2019-11-13. Review status: criteria provided, single submitter. Criteria: ACMG Guidelines, 2015. Collection method: clinical testing. Allele origin: germline.

Ambry Genetics
Classification: Benign for Inborn genetic diseases. Last evaluated: 2019-04-03. Review status: criteria provided, single submitter. Criteria: Ambry Variant Classification Scheme 2023. Collection method: clinical testing. Allele origin: germline.

PreventionGenetics, part of Exact Sciences
Classification: Likely benign for CREBBP-related condition. Last evaluated: 2021-07-16. Review status: no assertion criteria provided. Collection method: clinical testing. Allele origin: germline. Not counted in ClinVar's aggregate classification.
Comment: This variant is classified as likely benign based on ACMG/AMP sequence variant interpretation guidelines (Richards et al. 2015 PMID: 25741868, with internal and published modifications).